The following is an entry in ClinVar:

NM_000258.3(MYL3):c.488G>A (p.Arg163Lys)

Gene: MYL3 (myosin light chain 3; minus strand). Cytogenetic location: 3p21.31.
Variant type: single nucleotide variant.
Coding change: c.488G>A on transcript NM_000258.3 (MANE Select); coding-DNA position 488, G replaced by A.
Protein change: p.Arg163Lys; replaces arginine 163 with lysine.
Molecular consequence: missense variant.
Genome position (GRCh38, 1-based): chr3:46,858,455, C>T on the plus strand (G>A on the coding strand, the complement: MYL3 is on the minus strand). VCF-style: chr3-46858455-C-T. GRCh37 (hg19) VCF-style: chr3-46899945-C-T.
Other names: short protein forms R163K.
Identifiers: ClinVar variation 922074 (VCV000922074.7), dbSNP rs752165383, ClinGen allele CA352495604.
Genomic context (GRCh38, chr3:46,858,455, plus strand): 5'-ATGCAGCCATTGGAGTCCTCTTGCCCAGCCATCAACTTCTCCACTTCGTCTTCTGTCAGC[C>T]TCTCACCTGGCAGGAGTGGGAGGCTGAGTCAGCACCGTGCGTGCAGAGGCATGATGGGGT-3'
Protein context (NP_000249.1, residues 153-173): LRHVLATLGE[Arg163Lys]LTEDEVEKLM

ClinVar aggregate classification (germline): Uncertain significance. Review status: criteria provided, multiple submitters, no conflicts (2 of 4 stars). 3 submissions from 3 submitters: Uncertain significance (3). Last evaluated 2026-02-23.

Conditions:
Cardiovascular phenotype. Identifiers: MedGen CN230736.
Hypertrophic cardiomyopathy. Also called: HYPERTROPHIC MYOCARDIOPATHY. Identifiers: Orphanet 217569, MedGen C0007194, MeSH D002312, MONDO:0005045, HP:0001639.
Cardiomyopathy (CMYO). Also called: Cardiomyopathies. Identifiers: Orphanet 167848, MedGen C0878544, MONDO:0004994, HP:0001638. Inheritance: Various modes of inheritance.

Submissions (3):

Ambry Genetics
Classification: Uncertain significance for Cardiovascular phenotype. Last evaluated: 2026-02-23. Review status: criteria provided, single submitter. Criteria: Ambry Variant Classification Scheme 2023. Collection method: clinical testing. Allele origin: germline.
Comment: The p.R163K variant (also known as c.488G>A), located in coding exon 5 of the MYL3 gene, results from a G to A substitution at nucleotide position 488. The arginine at codon 163 is replaced by lysine, an amino acid with highly similar properties. This amino acid position is not well conserved in available vertebrate species. In addition, this alteration is predicted to be tolerated by in silico analysis. Based on the available evidence, the clinical significance of this variant remains unclear.

All of Us Research Program, National Institutes of Health
Classification: Uncertain significance for Hypertrophic cardiomyopathy. Last evaluated: 2024-04-16. Review status: criteria provided, single submitter. Criteria: ACMG Guidelines, 2015. Collection method: clinical testing. Allele origin: germline. Inheritance: Autosomal dominant inheritance. Observed: 1 variant allele, 1 heterozygote.
Comment: Variant of Uncertain Significance due to insufficient evidence: This missense variant replaces arginine with lysine at codon 163 of the MYL3 protein. Computational prediction tools and conservation analyses are inconclusive regarding the impact of this variant on the protein function. Computational splicing tools suggest that this variant may not impact RNA splicing. To our knowledge, functional assays have not been performed for this variant nor has this variant been reported in individuals affected with cardiovascular disorders in the literature. This variant is rare in the general population and has been identified in 0/277264 chromosomes by the Genome Aggregation Database (gnomAD). Available evidence is insufficient to determine the role of this variant in disease conclusively.

This study involves interpretation of variants in research participants for the purpose of population health screening. Participant phenotype was not available at the time of variant classification. Additional details can be found in publication PMID: 35346344, PMCID: PMC8962531

Color Diagnostics, LLC DBA Color Health
Classification: Uncertain significance for Cardiomyopathy. Last evaluated: 2023-12-04. Review status: criteria provided, single submitter. Criteria: ACMG Guidelines, 2015. Collection method: clinical testing. Allele origin: germline.
Comment: Variant of Uncertain Significance due to insufficient evidence: This missense variant replaces arginine with lysine at codon 163 of the MYL3 protein. Computational prediction tools and conservation analyses are inconclusive regarding the impact of this variant on the protein function. Computational splicing tools suggest that this variant may not impact RNA splicing. To our knowledge, functional assays have not been performed for this variant nor has this variant been reported in individuals affected with cardiovascular disorders in the literature. This variant is rare in the general population and has been identified in 0/277264 chromosomes by the Genome Aggregation Database (gnomAD). Available evidence is insufficient to determine the role of this variant in disease conclusively.